The following is an entry in ClinVar:

NM_006421.5(ARFGEF1):c.901_902delinsAA (p.Ala301Lys)

Gene: ARFGEF1 (ADP ribosylation factor guanine nucleotide exchange factor 1; minus strand). Cytogenetic location: 8q13.2.
Variant type: Indel.
Coding change: c.901_902delinsAA on transcript NM_006421.5 (MANE Select); coding-DNA positions 901 to 902, GC replaced by AA.
Protein change: p.Ala301Lys; replaces alanine 301 with lysine.
Molecular consequence: missense variant.
Genome position (GRCh38, 1-based): chr8:67,291,861-67,291,862, GC replaced by TT on the plus strand (GC replaced by AA on the coding strand, the reverse complement: ARFGEF1 is on the minus strand). VCF-style: chr8-67291861-GC-TT. GRCh37 (hg19) VCF-style: chr8-68204096-GC-TT.
Other names: short protein forms A301K.
Identifiers: ClinVar variation 1698098 (VCV001698098.2), dbSNP rs2128909573, ClinGen allele CA2580078913.

ClinVar aggregate classification (germline): Uncertain significance (1 of 4 stars; one submission).

Submission:

GeneDx
Classification: Uncertain significance. Last evaluated: 2022-01-04. Review status: criteria provided, single submitter. Criteria: GeneDx Variant Classification Process June 2021. Collection method: clinical testing. Allele origin: germline. Affected: yes.
Comment: Not observed at significant frequency in large population cohorts (gnomAD); In silico analysis supports that this variant does not alter protein structure/function; Has not been previously published as pathogenic or benign to our knowledge; Variants in candidate genes are classified as variants of uncertain significance in accordance with ACMG guidelines (Richards et al., 2015)